The following is an entry in ClinVar:

ClinVar aggregate classification (germline): Uncertain significance (1 of 4 stars; one submission).

Conditions:
Agammaglobulinemia 6, autosomal recessive (AGM6). Also called: AGAMMAGLOBULINEMIA, AUTOSOMAL RECESSIVE, DUE TO CD79B DEFECT; AGAMMAGLOBULINEMIA 6. Identifiers: MedGen C3150207, MONDO:0012987, OMIM 612692.

gnomAD v4.1: 24 of 1,613,528 alleles (0.0015%); highest among the groups gnomAD compares: East Asian, 0.053%; no homozygotes.

Submission:

Labcorp Genetics (formerly Invitae), Labcorp
Classification: Uncertain significance for Agammaglobulinemia 6, autosomal recessive. Last evaluated: 2022-02-27. Review status: criteria provided, single submitter. Criteria: Invitae Variant Classification Sherloc (09022015). Collection method: clinical testing. Allele origin: germline.
Comment: Algorithms developed to predict the effect of missense changes on protein structure and function output the following: SIFT: "Not Available"; PolyPhen-2: "Benign"; Align-GVGD: "Not Available". The threonine amino acid residue is found in multiple mammalian species, which suggests that this missense change does not adversely affect protein function. This sequence change replaces alanine, which is neutral and non-polar, with threonine, which is neutral and polar, at codon 42 of the CD79B protein (p.Ala42Thr). This variant is not present in population databases (gnomAD no frequency). This variant has not been reported in the literature in individuals affected with CD79B-related conditions. In summary, the available evidence is currently insufficient to determine the role of this variant in disease. Therefore, it has been classified as a Variant of Uncertain Significance.

NM_000626.4(CD79B):c.124G>A (p.Ala42Thr)

Genes: CD79B (CD79b molecule; minus strand), GH-LCR (growth hormone locus control region; plus strand). Cytogenetic location: 17q23.3.
Variant type: single nucleotide variant.
Coding change: c.124G>A on transcript NM_000626.4 (MANE Select); coding-DNA position 124, G replaced by A.
Protein change: p.Ala42Thr; replaces alanine 42 with threonine.
Molecular consequence: missense variant. On other transcripts: intron variant (2).
Genome position (GRCh38, 1-based): chr17:63,930,380, C>T on the plus strand (G>A on the coding strand, the complement: CD79B is on the minus strand). VCF-style: chr17-63930380-C-T. GRCh37 (hg19) VCF-style: chr17-62007740-C-T.
Other names: c.127G>A, p.Ala43Thr (NM_001039933.3); c.119-492G>A (NM_021602.4); c.122-492G>A (NM_001329050.2); short protein forms A43T, A42T.
Identifiers: ClinVar variation 1975868 (VCV001975868.4), dbSNP rs1908053121, ClinGen allele CA400605671.